The following is an entry in ClinVar:

NM_001384910.1(GUCA1A):c.10G>A (p.Val4Met)

Genes: GUCA1A (guanylate cyclase activator 1A; plus strand), GUCA1ANB-GUCA1A (GUCA1ANB-GUCA1A readthrough; plus strand). Cytogenetic location: 6p21.1.
Variant type: single nucleotide variant.
Coding change: c.10G>A on transcript NM_001384910.1 (MANE Select); coding-DNA position 10, G replaced by A.
Protein change: p.Val4Met; replaces valine 4 with methionine.
Molecular consequence: missense variant.
Genome position (GRCh38, 1-based): chr6:42,173,623, G>A. VCF-style: chr6-42173623-G-A. GRCh37 (hg19) VCF-style: chr6-42141361-G-A.
Other names: c.10G>A, p.Val4Met (NM_000409.5, NM_001319061.2, NM_001319062.2); short protein forms V4M.
Identifiers: ClinVar variation 356692 (VCV000356692.39), dbSNP rs200110820, ClinGen allele CA3805242.

ClinVar aggregate classification (germline): Conflicting classifications of pathogenicity. Review status: criteria provided, conflicting classifications (1 of 4 stars). 4 submissions from 4 submitters: Uncertain significance (2); Likely benign (2). Last evaluated 2026-01-04.

Conditions:
Cone dystrophy 3 (COD3). Also called: RETINAL CONE DYSTROPHY. Identifiers: Orphanet 1872, MedGen C1865869, MONDO:0011193, OMIM 602093.

Allele frequency attached by ClinVar (database versions not stated): ExAC 0.00003; gnomAD exomes 0.00003; gnomAD 0.00004 and 0.00005; TOPMed 0.00005; ESP Exome Variant Server 0.00023.
gnomAD v4.1: 201 of 1,613,764 alleles (0.012%); highest among the groups gnomAD compares: Non-Finnish European, 0.017%; no homozygotes.

Submissions (4):

Labcorp Genetics (formerly Invitae), Labcorp
Classification: Uncertain significance. Last evaluated: 2026-01-04. Review status: criteria provided, single submitter. Criteria: Invitae Variant Classification Sherloc (09022015). Collection method: clinical testing. Allele origin: germline.
Comment: This sequence change replaces valine, which is neutral and non-polar, with methionine, which is neutral and non-polar, at codon 4 of the GUCA1A protein (p.Val4Met). This variant is present in population databases (rs200110820, gnomAD 0.007%). This missense change has been observed in individual(s) with clinical features of cone-rod dystrophy (internal data). ClinVar contains an entry for this variant (Variation ID: 356692). An algorithm developed to predict the effect of missense changes on protein structure and function (PolyPhen-2) suggests that this variant is likely to be tolerated. In summary, the available evidence is currently insufficient to determine the role of this variant in disease. Therefore, it has been classified as a Variant of Uncertain Significance.

Blueprint Genetics
Classification: Likely benign. Last evaluated: 2024-07-04. Review status: criteria provided, single submitter. Criteria: ACMG Guidelines, 2015. Collection method: clinical testing. Allele origin: germline.

CeGaT Center for Human Genetics Tuebingen
Classification: Likely benign. Last evaluated: 2022-03-01. Review status: criteria provided, single submitter. Criteria: CeGaT Center For Human Genetics Tuebingen Variant Classification Criteria Version 2. Collection method: clinical testing. Allele origin: germline. Affected: yes. Observed: 1 variant allele.
Comment: GUCA1ANB-GUCA1A: BP4, BP5, BS2

Illumina Laboratory Services, Illumina
Classification: Uncertain significance for Cone dystrophy 3. Last evaluated: 2018-01-13. Review status: criteria provided, single submitter. Criteria: ICSL Variant Classification Criteria 13 December 2019. Collection method: clinical testing. Allele origin: germline.